The following is an entry in ClinVar:

ClinVar aggregate classification (germline): Likely pathogenic (1 of 4 stars; one submission).

Conditions:
CRYGC-related disorder. Also called: CRYGC-related condition.

Submission:

PreventionGenetics, part of Exact Sciences
Classification: Likely pathogenic for CRYGC-related condition. Last evaluated: 2026-01-12. Review status: criteria provided, single submitter. Criteria: ACMG Guidelines, 2015. Collection method: clinical testing. Allele origin: germline.
Comment: The CRYGC c.297delA variant is predicted to result in a frameshift and premature protein termination (p.Gly100Alafs*3). To our knowledge, this variant has not been reported in the literature. This variant is absent in a large population database (gnomAD), indicating this variant is rare. This variant resides in the final exon of this gene, and it is unclear if the resulting mRNA would undergo nonsense-mediated decay; however, predicted loss-of-function variants in this exon are well documented as causative of disease (Fernández-Alcalde et al. 2021. PubMed ID: 33923544; Zhong et al. 2017. PubMed ID: 28298635). This variant is interpreted as likely pathogenic.

NM_020989.4(CRYGC):c.297del (p.Gly100fs)

Genes: CRYGC (crystallin gamma C; minus strand), LOC100507443 (uncharacterized LOC100507443; plus strand). Cytogenetic location: 2q33.3.
Variant type: Deletion.
Coding change: c.297del on transcript NM_020989.4 (MANE Select); coding-DNA position 297, one base deleted (A; older notation c.297delA).
Protein change: p.Gly100fs; shifts the reading frame from glycine 100.
Molecular consequence: frameshift variant.
Genome position (GRCh38, 1-based): chr2:208,128,431, T deleted on the plus strand (A on the coding strand, the reverse complement: CRYGC is on the minus strand); the first of 3 consecutive T bases (chr2:208,128,431-208,128,433); deleting any one gives the same sequence. VCF-style (leftmost placement, unchanged base first): chr2-208128430-CT-C. GRCh37 (hg19) VCF-style: chr2-208993154-CT-C.
Other names: short protein forms G100fs.
Identifiers: ClinVar variation 4993607 (VCV004993607.1).